The following is an entry in ClinVar:

NM_001100913.3(PACS2):c.2048C>T (p.Ser683Phe)

Gene: PACS2 (phosphofurin acidic cluster sorting protein 2; plus strand). Cytogenetic location: 14q32.33.
Variant type: single nucleotide variant.
Coding change: c.2048C>T on transcript NM_001100913.3 (MANE Select); coding-DNA position 2048, C replaced by T.
Protein change: p.Ser683Phe; replaces serine 683 with phenylalanine.
Molecular consequence: missense variant.
Genome position (GRCh38, 1-based): chr14:105,389,975, C>T. VCF-style: chr14-105389975-C-T. GRCh37 (hg19) VCF-style: chr14-105856312-C-T.
Other names: c.1778C>T, p.Ser593Phe (NM_001243127.3); c.2003C>T, p.Ser668Phe (NM_015197.4); short protein forms S668F, S683F, S593F.
Identifiers: ClinVar variation 1391127 (VCV001391127.7), dbSNP rs781905333, ClinGen allele CA7389109.
Genomic context (GRCh38, chr14:105,389,975, plus strand): 5'-GGCTGTGCCCTGAGGAGAGCTTAACTGTCTGTTTCCTTGCTCTTAGCCCTGACGAAGAGT[C>T]CTCCCAAAAGTTCATTCCCTTTGTCGGGGTGAGTACTGGCCAGCTTTATGTGATGGGAAA-3'
Protein context (NP_001094383.2, residues 673-693): FDFTLSPDEE[Ser683Phe]SQKFIPFVGV

ClinVar aggregate classification (germline): Conflicting classifications of pathogenicity. Review status: criteria provided, conflicting classifications (1 of 4 stars). 2 submissions from 2 submitters: Uncertain significance (1); Likely benign (1). Last evaluated 2026-05-13.

Allele frequency attached by ClinVar (database versions not stated): gnomAD exomes 0.00001 and below 0.00001; TOPMed 0.00001; ExAC 0.00001.
gnomAD v4.1: 3 of 1,613,946 alleles (0.00019%); highest among the groups gnomAD compares: Non-Finnish European, 0.00025%; no homozygotes.

Submissions (2):

Women's Health and Genetics/Laboratory Corporation of America, LabCorp
Classification: Uncertain significance. Last evaluated: 2026-05-13. Review status: criteria provided, single submitter. Criteria: LabCorp Variant Classification Summary - May 2015. Collection method: clinical testing. Allele origin: germline.
Comment: Variant summary: PACS2 c.2048C>T (p.Ser683Phe) results in a non-conservative amino acid change in the encoded protein sequence. Algorithms developed to predict the effect of missense changes on protein structure and function are either unavailable or do not agree on the potential impact of this missense change. The variant allele was found at a frequency of 4e-06 in 251400 control chromosomes. The available data on variant occurrences in the general population are insufficient to allow any conclusion about variant significance. To our knowledge, no occurrence of c.2048C>T in individuals affected with PACS2-related conditions and no experimental evidence demonstrating its impact on protein function have been reported. ClinVar contains an entry for this variant (Variation ID: 1391127). Based on the evidence outlined above, the variant was classified as uncertain significance.

Labcorp Genetics (formerly Invitae), Labcorp
Classification: Likely benign. Last evaluated: 2022-11-01. Review status: criteria provided, single submitter. Criteria: Invitae Variant Classification Sherloc (09022015). Collection method: clinical testing. Allele origin: germline.